The following is an entry in ClinVar:

NM_022455.5(NSD1):c.3996G>C (p.Glu1332Asp)

Gene: NSD1 (nuclear receptor binding SET domain protein 1; plus strand). Cytogenetic location: 5q35.3.
Variant type: single nucleotide variant.
Coding change: c.3996G>C on transcript NM_022455.5 (MANE Select); coding-DNA position 3996, G replaced by C.
Protein change: p.Glu1332Asp; replaces glutamic acid 1332 with aspartic acid.
Molecular consequence: missense variant.
Genome position (GRCh38, 1-based): chr5:177,238,311, G>C. VCF-style: chr5-177238311-G-C. GRCh37 (hg19) VCF-style: chr5-176665312-G-C.
Other names: c.3123G>C, p.Glu1041Asp (NM_001365684.2, NM_001409306.1, NM_001409307.1 and 3 more transcripts); c.3996G>C, p.Glu1332Asp (NM_001409301.1, NM_001409302.1, NM_001409303.1); c.3576G>C, p.Glu1192Asp (NM_001409304.1); c.3243G>C, p.Glu1081Asp (NM_001409305.1); short protein forms E1192D, E1041D, E1332D, E1081D.
Identifiers: ClinVar variation 4122975 (VCV004122975.2).

ClinVar aggregate classification (germline): Uncertain significance. Review status: criteria provided, multiple submitters, no conflicts (2 of 4 stars). 2 submissions from 2 submitters: Uncertain significance (2). Last evaluated 2025-08-26.

Conditions:
Inborn genetic diseases. Identifiers: MedGen C0950123, MeSH D030342.

gnomAD v4.1: 4 of 1,614,130 alleles (0.00025%); highest among the groups gnomAD compares: Non-Finnish European, 0.00034%; no homozygotes.

Submissions (2):

Ambry Genetics
Classification: Uncertain significance for Inborn genetic diseases. Last evaluated: 2025-08-26. Review status: criteria provided, single submitter. Criteria: Ambry Variant Classification Scheme 2023. Collection method: clinical testing. Allele origin: germline.

Labcorp Genetics (formerly Invitae), Labcorp
Classification: Uncertain significance. Last evaluated: 2025-06-11. Review status: criteria provided, single submitter. Criteria: Invitae Variant Classification Sherloc (09022015). Collection method: clinical testing. Allele origin: germline.
Comment: This sequence change replaces glutamic acid, which is acidic and polar, with aspartic acid, which is acidic and polar, at codon 1332 of the NSD1 protein (p.Glu1332Asp). This variant is not present in population databases (gnomAD no frequency). This variant has not been reported in the literature in individuals affected with NSD1-related conditions. Invitae Evidence Modeling of protein sequence and biophysical properties (such as structural, functional, and spatial information, amino acid conservation, physicochemical variation, residue mobility, and thermodynamic stability) indicates that this missense variant is not expected to disrupt NSD1 protein function with a negative predictive value of 95%. In summary, the available evidence is currently insufficient to determine the role of this variant in disease. Therefore, it has been classified as a Variant of Uncertain Significance.